The following is an entry in ClinVar:

NM_015102.5(NPHP4):c.1479G>A (p.Pro493=)

Gene: NPHP4 (nephrocystin 4; minus strand). Cytogenetic location: 1p36.31.
Variant type: single nucleotide variant.
Coding change: c.1479G>A on transcript NM_015102.5 (MANE Select); coding-DNA position 1479, G replaced by A.
Protein change: p.Pro493=; no amino-acid change (proline 493 retained).
Molecular consequence: synonymous variant. On other transcripts: non-coding transcript variant (1), intron variant (2).
Genome position (GRCh38, 1-based): chr1:5,909,176, C>T on the plus strand (G>A on the coding strand, the complement: NPHP4 is on the minus strand). VCF-style: chr1-5909176-C-T. GRCh37 (hg19) VCF-style: chr1-5969236-C-T.
Other names: c.1479G>A (NM_015102.4); c.76-3393G>A (NM_001291594.2); c.76-3396G>A (NM_001291593.2).
Identifiers: ClinVar variation 1571176 (VCV001571176.11), dbSNP rs201499649, ClinGen allele CA554484.

ClinVar aggregate classification (germline): Likely benign. Review status: criteria provided, multiple submitters, no conflicts (2 of 4 stars). 3 submissions from 3 submitters: Likely benign (2). 1 of the submissions does not count toward it. Last evaluated 2025-12-31.

Conditions:
Nephronophthisis. Also called: Juvenile Nephronophthisis. Identifiers: Orphanet 655, MedGen C0687120, MONDO:0019005, HP:0000090.
NPHP4-related disorder. Also called: NPHP4-related disorders; NPHP4-related condition. Identifiers: MedGen CN239384.

Allele frequency attached by ClinVar (database versions not stated): ExAC 0.00002; TOPMed 0.00002.
gnomAD v4.1: 32 of 1,602,304 alleles (0.002%); highest among the groups gnomAD compares: East Asian, 0.009%; no homozygotes.

Submissions (3):

Labcorp Genetics (formerly Invitae), Labcorp
Classification: Likely benign for Nephronophthisis. Last evaluated: 2025-12-31. Review status: criteria provided, single submitter. Criteria: Invitae Variant Classification Sherloc (09022015). Collection method: clinical testing. Allele origin: germline.

Blueprint Genetics
Classification: Likely benign. Last evaluated: 2024-09-02. Review status: criteria provided, single submitter. Criteria: ACMG Guidelines, 2015. Collection method: clinical testing. Allele origin: germline.

PreventionGenetics, part of Exact Sciences
Classification: Likely benign for NPHP4-related condition. Last evaluated: 2023-02-16. Review status: no assertion criteria provided. Collection method: clinical testing. Allele origin: germline. Not counted in ClinVar's aggregate classification.
Comment: This variant is classified as likely benign based on ACMG/AMP sequence variant interpretation guidelines (Richards et al. 2015 PMID: 25741868, with internal and published modifications).